The following is an entry in ClinVar:

ClinVar aggregate classification (germline): Pathogenic/Likely pathogenic. Review status: criteria provided, multiple submitters, no conflicts (2 of 4 stars). 3 submissions from 3 submitters: Pathogenic (2); Likely pathogenic (1). Last evaluated 2022-04-04.

Conditions:
FZD4-related disorder. Also called: FZD4-related condition.

Submissions (3):

Labcorp Genetics (formerly Invitae), Labcorp
Classification: Pathogenic. Last evaluated: 2022-04-04. Review status: criteria provided, single submitter. Criteria: Invitae Variant Classification Sherloc (09022015). Collection method: clinical testing. Allele origin: germline.
Comment: This sequence change creates a premature translational stop signal (p.Gln505*) in the FZD4 gene. While this is not anticipated to result in nonsense mediated decay, it is expected to disrupt the last 33 amino acid(s) of the FZD4 protein. This variant is not present in population databases (gnomAD no frequency). This premature translational stop signal has been observed in individuals with familial exudative vitreoretinopathy (PMID: 15223780, 23077402). It has also been observed to segregate with disease in related individuals. ClinVar contains an entry for this variant (Variation ID: 449482). For these reasons, this variant has been classified as Pathogenic.

Blueprint Genetics
Classification: Pathogenic for FZD4-related disorders. Last evaluated: 2020-12-10. Review status: criteria provided, single submitter. Criteria: ACMG Guidelines, 2015. Collection method: clinical testing. Allele origin: germline. Affected: yes. Observed: 1 variant allele.

GeneDx
Classification: Likely pathogenic. Last evaluated: 2017-10-26. Review status: criteria provided, single submitter. Criteria: GeneDx Variant Classification (06012015). Collection method: clinical testing. Allele origin: germline. Affected: yes.
Comment: The Q505X nonsense variant in the FZD4 gene has been reported previously in association with familial exudative vitreoretinopathy (FEVR) (Toomes et al., 2004). This variant is predicted to cause loss of normal protein function through protein truncation, as the final 33 amino acids are lost. The variant is not observed in large population cohorts (Lek et al., 2016). In summary, we consider this variant to be likely pathogenic.

Literature cited by the submitters: PubMed 15223780 (cited by Labcorp Genetics (formerly Invitae), Labcorp); PubMed 23077402 (cited by Labcorp Genetics (formerly Invitae), Labcorp).

NM_012193.4(FZD4):c.1513C>T (p.Gln505Ter)

Genes: FZD4 (frizzled class receptor 4; minus strand), PRSS23 (serine protease 23; plus strand). Cytogenetic location: 11q14.2.
Variant type: single nucleotide variant.
Coding change: c.1513C>T on transcript NM_012193.4 (MANE Select); coding-DNA position 1513, C replaced by T.
Protein change: p.Gln505Ter; replaces glutamine 505 with a stop codon.
Molecular consequence: nonsense. On other transcripts: non-coding transcript variant (2).
Genome position (GRCh38, 1-based): chr11:86,951,243, G>A on the plus strand (C>T on the coding strand, the complement: FZD4 is on the minus strand). VCF-style: chr11-86951243-G-A. GRCh37 (hg19) VCF-style: chr11-86662285-G-A.
Other names: short protein forms Q505*.
Identifiers: ClinVar variation 449482 (VCV000449482.10), dbSNP rs80358304, ClinGen allele CA225380341.